The following is an entry in ClinVar:

NM_005640.3(TAF4B):c.2317-4C>T

Gene: TAF4B (TATA-box binding protein associated factor 4b; plus strand). Cytogenetic location: 18q11.2.
Variant type: single nucleotide variant.
Coding change: c.2317-4C>T on transcript NM_005640.3 (MANE Select); 4 bases into the intron before coding-DNA position 2317, C replaced by T.
Molecular consequence: intron variant.
Genome position (GRCh38, 1-based): chr18:26,357,686, C>T. VCF-style: chr18-26357686-C-T. GRCh37 (hg19) VCF-style: chr18-23937650-C-T.
Other names: c.2332-4C>T (NM_001293725.2).
Identifiers: ClinVar variation 3052440 (VCV003052440.2), dbSNP rs370184999, ClinGen allele CA8922133.

ClinVar aggregate classification (germline): Likely benign (0 of 4 stars; one submission).

Conditions:
TAF4B-related disorder. Also called: TAF4B-related condition.

Allele frequency attached by ClinVar (database versions not stated): ExAC 0.00003; TOPMed 0.00005; gnomAD 0.00006; gnomAD exomes 0.00006; ESP Exome Variant Server 0.00008.
gnomAD v4.1: 105 of 1,598,800 alleles (0.0066%); highest among the groups gnomAD compares: Non-Finnish European, 0.0079%; no homozygotes.

Submission:

PreventionGenetics, part of Exact Sciences
Classification: Likely benign for TAF4B-related condition. Last evaluated: 2019-09-06. Review status: no assertion criteria provided. Collection method: clinical testing. Allele origin: germline.
Comment: This variant is classified as likely benign based on ACMG/AMP sequence variant interpretation guidelines (Richards et al. 2015 PMID: 25741868, with internal and published modifications).